The following is an entry in ClinVar:

NM_015662.3(IFT172):c.4370G>A (p.Gly1457Asp)

Gene: IFT172 (intraflagellar transport 172; minus strand). Cytogenetic location: 2p23.3.
Variant type: single nucleotide variant.
Coding change: c.4370G>A on transcript NM_015662.3 (MANE Select); coding-DNA position 4370, G replaced by A.
Protein change: p.Gly1457Asp; replaces glycine 1457 with aspartic acid.
Molecular consequence: missense variant.
Genome position (GRCh38, 1-based): chr2:27,448,973, C>T on the plus strand (G>A on the coding strand, the complement: IFT172 is on the minus strand). VCF-style: chr2-27448973-C-T. GRCh37 (hg19) VCF-style: chr2-27671840-C-T.
Other names: c.4370G>A (NM_015662.1, NM_015662.2); short protein forms G1457D.
Identifiers: ClinVar variation 1398484 (VCV001398484.8), dbSNP rs142312837, ClinGen allele CA1579627.

ClinVar aggregate classification (germline): Uncertain significance. Review status: criteria provided, multiple submitters, no conflicts (2 of 4 stars). 4 submissions from 4 submitters: Uncertain significance (3). 1 of the submissions does not count toward it. Last evaluated 2023-12-22.

Conditions:
IFT172-related disorder. Also called: IFT172-related disorders; IFT172-related condition.
Inborn genetic diseases. Identifiers: MedGen C0950123, MeSH D030342.
Short-rib thoracic dysplasia 10 with or without polydactyly (SRTD10). Identifiers: Orphanet 474, MedGen C3810175, MONDO:0014284, OMIM 615630.
Retinitis pigmentosa 71 (RP71). Identifiers: Orphanet 791, MedGen C4225342, MONDO:0014618, OMIM 616394.

Allele frequency attached by ClinVar (database versions not stated): gnomAD exomes 0.00001 and 0.00006; TOPMed 0.00001; ExAC 0.00002; gnomAD 0.00003; ESP Exome Variant Server 0.00015.
gnomAD v4.1: 97 of 1,612,512 alleles (0.006%); highest among the groups gnomAD compares: Non-Finnish European, 0.0074%; no homozygotes.

Submissions (4):

Blueprint Genetics
Classification: Uncertain significance. Last evaluated: 2023-12-22. Review status: criteria provided, single submitter. Criteria: ACMG Guidelines, 2015. Collection method: clinical testing. Allele origin: germline.

Ambry Genetics
Classification: Uncertain significance for Inborn genetic diseases. Last evaluated: 2022-08-17. Review status: criteria provided, single submitter. Criteria: Ambry Variant Classification Scheme 2023. Collection method: clinical testing. Allele origin: germline.

Labcorp Genetics (formerly Invitae), Labcorp
Classification: Uncertain significance for Retinitis pigmentosa 71; Short-rib thoracic dysplasia 10 with or without polydactyly. Last evaluated: 2022-07-12. Review status: criteria provided, single submitter. Criteria: Invitae Variant Classification Sherloc (09022015). Collection method: clinical testing. Allele origin: germline.
Comment: This sequence change replaces glycine, which is neutral and non-polar, with aspartic acid, which is acidic and polar, at codon 1457 of the IFT172 protein (p.Gly1457Asp). This variant is present in population databases (rs142312837, gnomAD 0.004%). This variant has not been reported in the literature in individuals affected with IFT172-related conditions. ClinVar contains an entry for this variant (Variation ID: 1398484). Algorithms developed to predict the effect of missense changes on protein structure and function (SIFT, PolyPhen-2, Align-GVGD) all suggest that this variant is likely to be tolerated. In summary, the available evidence is currently insufficient to determine the role of this variant in disease. Therefore, it has been classified as a Variant of Uncertain Significance.

PreventionGenetics, part of Exact Sciences
Classification: Uncertain significance for IFT172-related condition. Last evaluated: 2024-05-07. Review status: no assertion criteria provided. Collection method: clinical testing. Allele origin: germline. Not counted in ClinVar's aggregate classification.
Comment: The IFT172 c.4370G>A variant is predicted to result in the amino acid substitution p.Gly1457Asp. To our knowledge, this variant has not been reported in the literature. This variant is reported in 0.0040% of alleles in individuals of African descent in gnomAD. At this time, the clinical significance of this variant is uncertain due to the absence of conclusive functional and genetic evidence.